The following is an entry in ClinVar:

NM_001195263.2(PDZD7):c.3043C>T (p.Pro1015Ser)

Gene: PDZD7 (PDZ domain containing 7; minus strand). Cytogenetic location: 10q24.31.
Variant type: single nucleotide variant.
Coding change: c.3043C>T on transcript NM_001195263.2 (MANE Select); coding-DNA position 3043, C replaced by T.
Protein change: p.Pro1015Ser; replaces proline 1015 with serine.
Molecular consequence: missense variant.
Genome position (GRCh38, 1-based): chr10:101,008,526, G>A on the plus strand (C>T on the coding strand, the complement: PDZD7 is on the minus strand). VCF-style: chr10-101008526-G-A. GRCh37 (hg19) VCF-style: chr10-102768283-G-A.
Other names: short protein forms P1015S.
Identifiers: ClinVar variation 2129549 (VCV002129549.4), dbSNP rs1852289600, ClinGen allele CA378222811.

ClinVar aggregate classification (germline): Uncertain significance (1 of 4 stars; one submission).

Submission:

Labcorp Genetics (formerly Invitae), Labcorp
Classification: Uncertain significance. Last evaluated: 2025-05-11. Review status: criteria provided, single submitter. Criteria: Invitae Variant Classification Sherloc (09022015). Collection method: clinical testing. Allele origin: germline.
Comment: This sequence change replaces proline, which is neutral and non-polar, with serine, which is neutral and polar, at codon 1015 of the PDZD7 protein (p.Pro1015Ser). This variant is not present in population databases (gnomAD no frequency). This variant has not been reported in the literature in individuals affected with PDZD7-related conditions. ClinVar contains an entry for this variant (Variation ID: 2129549). An algorithm developed to predict the effect of missense changes on protein structure and function outputs the following: PolyPhen-2: "Not Available". The serine amino acid residue is found in multiple mammalian species, which suggests that this missense change does not adversely affect protein function. In summary, the available evidence is currently insufficient to determine the role of this variant in disease. Therefore, it has been classified as a Variant of Uncertain Significance.